The following is an entry in ClinVar:

ClinVar aggregate classification (germline): Uncertain significance (0 of 4 stars; one submission).

Conditions:
TRAK1-related disorder. Also called: TRAK1-related condition.

Submission:

PreventionGenetics, part of Exact Sciences
Classification: Uncertain significance for TRAK1-related condition. Last evaluated: 2023-12-27. Review status: no assertion criteria provided. Collection method: clinical testing. Allele origin: germline.
Comment: The TRAK1 c.1331C>G variant is predicted to result in the amino acid substitution p.Thr444Ser. To our knowledge, this variant has not been reported in the literature or in a large population database, indicating this variant is rare. At this time, the clinical significance of this variant is uncertain due to the absence of conclusive functional and genetic evidence.

NM_001042646.3(TRAK1):c.1331C>G (p.Thr444Ser)

Gene: TRAK1 (trafficking kinesin protein 1; plus strand). Cytogenetic location: 3p22.1.
Variant type: single nucleotide variant.
Coding change: c.1331C>G on transcript NM_001042646.3 (MANE Select); coding-DNA position 1331, C replaced by G.
Protein change: p.Thr444Ser; replaces threonine 444 with serine.
Molecular consequence: missense variant. On other transcripts: non-coding transcript variant (1).
Genome position (GRCh38, 1-based): chr3:42,200,958, C>G. VCF-style: chr3-42200958-C-G. GRCh37 (hg19) VCF-style: chr3-42242450-C-G.
Other names: c.1331C>G, p.Thr444Ser (NM_001265608.2, NM_001349246.2, NM_001349247.2); c.1109C>G, p.Thr370Ser (NM_001265609.2, NM_001265610.1, NM_001349248.1 and 1 more transcripts); c.1019C>G, p.Thr340Ser (NM_001349245.1); c.1157C>G, p.Thr386Ser (NM_001410741.1, NM_014965.5); short protein forms T340S, T370S, T386S, T444S.
Identifiers: ClinVar variation 3033354 (VCV003033354.2), dbSNP rs759876781, ClinGen allele CA352246650.